The following is an entry in ClinVar:

NM_001330574.2(ZNF711):c.*122G>T

Gene: ZNF711 (ZFX family zinc finger ZNF711; plus strand). Cytogenetic location: Xq21.1.
Variant type: single nucleotide variant.
Coding change: c.*122G>T on transcript NM_001330574.2 (MANE Select); 122 bases downstream of the stop codon, G replaced by T.
Molecular consequence: 3 prime UTR variant.
Genome position (GRCh38, 1-based): chrX:85,271,950, G>T. VCF-style: chrX-85271950-G-T. GRCh37 (hg19) VCF-style: chrX-84526956-G-T.
Other names: c.*122G>T (NM_021998.5).
Identifiers: ClinVar variation 368750 (VCV000368750.5), dbSNP rs755444976, ClinGen allele CA10654078.

ClinVar aggregate classification (germline): Benign (1 of 4 stars; one submission).

Conditions:
Intellectual developmental disorder, X-linked 97. Also called: Intellectual disability, X-linked 97. Identifiers: Orphanet 777, MedGen C2749020, MONDO:0010430, OMIM 300803.

Allele frequency attached by ClinVar (database versions not stated): gnomAD 0.00214 and 0.00218; 1000 Genomes Project 30x 0.00125; TOPMed 0.00206; 1000 Genomes Project 0.00079; gnomAD exomes 0.00233.

Submission:

Illumina Laboratory Services, Illumina
Classification: Benign for Intellectual developmental disorder, X-linked 97. Last evaluated: 2018-01-13. Review status: criteria provided, single submitter. Criteria: ICSL Variant Classification Criteria 13 December 2019. Collection method: clinical testing. Allele origin: germline.
Comment: This variant was observed in the ICSL laboratory as part of a predisposition screen in an ostensibly healthy population. It had not been previously curated by ICSL or reported in the Human Gene Mutation Database (HGMD: prior to June 1st, 2018), and was therefore a candidate for classification through an automated scoring system. Utilizing variant allele frequency, disease prevalence and penetrance estimates, and inheritance mode, an automated score was calculated to assess if this variant is too frequent to cause the disease. Based on the score and internal cut-off values, a variant classified as benign is not then subjected to further curation. The score for this variant resulted in a classification of benign for this disease.